The following is an entry in ClinVar:

ClinVar aggregate classification (germline): Uncertain significance (1 of 4 stars; one submission).

Conditions:
SLC10A2-related disorder. Also called: SLC10A2-related condition.

Submission:

PreventionGenetics, part of Exact Sciences
Classification: Uncertain significance for SLC10A2-related condition. Last evaluated: 2026-03-12. Review status: criteria provided, single submitter. Criteria: ACMG Guidelines, 2015. Collection method: clinical testing. Allele origin: germline.
Comment: The SLC10A2 c.641_664delinsACCTGGATCC variant is predicted to result in a frameshift and premature protein termination (p.Ile214Asnfs*28). To our knowledge, this variant has not been reported in the literature or in a large population database (gnomAD), indicating this variant is rare. Although we suspect that this variant may be pathogenic, at this time, the clinical significance of this variant is uncertain due to the absence of conclusive functional and genetic evidence.

NM_000452.3(SLC10A2):c.641_664delinsACCTGGATCC (p.Ile214fs)

Gene: SLC10A2 (solute carrier family 10 member 2; minus strand). Cytogenetic location: 13q33.1.
Variant type: Indel.
Coding change: c.641_664delinsACCTGGATCC on transcript NM_000452.3 (MANE Select); coding-DNA positions 641 to 664, TATTGTACCAAAGCGCCTGGATCA replaced by ACCTGGATCC.
Protein change: p.Ile214fs; shifts the reading frame from isoleucine 214.
Molecular consequence: frameshift variant.
Genome position (GRCh38, 1-based): chr13:103,051,354-103,051,377, TGATCCAGGCGCTTTGGTACAATA replaced by GGATCCAGGT on the plus strand (TATTGTACCAAAGCGCCTGGATCA replaced by ACCTGGATCC on the coding strand, the reverse complement: SLC10A2 is on the minus strand). GRCh37 (hg19): chr13:103,703,704-103,703,727.
Other names: short protein forms I214fs.
Identifiers: ClinVar variation 4993326 (VCV004993326.1).